The following is an entry in ClinVar:

NM_198576.4(AGRN):c.1182G>T (p.Gln394His)

Gene: AGRN (agrin; plus strand). Cytogenetic location: 1p36.33.
Variant type: single nucleotide variant.
Coding change: c.1182G>T on transcript NM_198576.4 (MANE Select); coding-DNA position 1182, G replaced by T.
Protein change: p.Gln394His; replaces glutamine 394 with histidine.
Molecular consequence: missense variant.
Genome position (GRCh38, 1-based): chr1:1,041,960, G>T. VCF-style: chr1-1041960-G-T. GRCh37 (hg19) VCF-style: chr1-977340-G-T.
Other names: c.1182G>T, p.Gln394His (NM_001305275.2); c.867G>T, p.Gln289His (NM_001364727.2); short protein forms Q394H, Q289H.
Identifiers: ClinVar variation 1435497 (VCV001435497.4), dbSNP rs1343857691, ClinGen allele CA337827545.

ClinVar aggregate classification (germline): Uncertain significance (1 of 4 stars; one submission).

Conditions:
Congenital myasthenic syndrome 8. Also called: Myasthenic syndrome, congenital, 8, with pre- and postsynaptic defects; MYASTHENIC SYNDROME, CONGENITAL, DUE TO AGRIN DEFICIENCY. Identifiers: Orphanet 590, MedGen C3808739, MONDO:0014052, OMIM 615120.

Allele frequency attached by ClinVar (database versions not stated): TOPMed 0.00001.
gnomAD v4.1: 25 of 1,611,816 alleles (0.0016%); highest among the groups gnomAD compares: Non-Finnish European, 0.0021%; no homozygotes.

Submission:

Labcorp Genetics (formerly Invitae), Labcorp
Classification: Uncertain significance for Congenital myasthenic syndrome 8. Last evaluated: 2022-03-18. Review status: criteria provided, single submitter. Criteria: Invitae Variant Classification Sherloc (09022015). Collection method: clinical testing. Allele origin: germline.
Comment: In summary, the available evidence is currently insufficient to determine the role of this variant in disease. Therefore, it has been classified as a Variant of Uncertain Significance. Algorithms developed to predict the effect of sequence changes on RNA splicing suggest that this variant may disrupt the consensus splice site. Algorithms developed to predict the effect of missense changes on protein structure and function (SIFT, PolyPhen-2, Align-GVGD) all suggest that this variant is likely to be tolerated. This variant has not been reported in the literature in individuals affected with AGRN-related conditions. This variant is not present in population databases (gnomAD no frequency). This sequence change replaces glutamine, which is neutral and polar, with histidine, which is basic and polar, at codon 394 of the AGRN protein (p.Gln394His).